The following is an entry in ClinVar:

NM_001114980.2(TP63):c.33A>G (p.Gln11=)

Gene: TP63 (tumor protein p63; plus strand). Cytogenetic location: 3q28.
Variant type: single nucleotide variant.
Coding change: c.33A>G on transcript NM_001114980.2 (MANE Plus Clinical); coding-DNA position 33, A replaced by G.
Protein change: p.Gln11=; no amino-acid change (glutamine 11 retained).
Molecular consequence: synonymous variant. On other transcripts: intron variant (6).
Genome position (GRCh38, 1-based): chr3:189,789,833, A>G. VCF-style: chr3-189789833-A-G. GRCh37 (hg19) VCF-style: chr3-189507622-A-G.
Other names: c.33A>G (NM_001114980.1); c.33A>G, p.Gln11= (NM_001114981.2, NM_001114982.2, NM_001329145.2 and 3 more transcripts); c.319-18439A>G (NM_001329964.2); c.325-18439A>G (NM_003722.5, NM_001114978.2, NM_001329144.2 and 2 more transcripts).
Identifiers: ClinVar variation 502432 (VCV000502432.6), dbSNP rs779762640, ClinGen allele CA2752096.

ClinVar aggregate classification (germline): Conflicting classifications of pathogenicity. Review status: criteria provided, conflicting classifications (1 of 4 stars). 2 submissions from 2 submitters: Uncertain significance (1); Likely benign (1). Last evaluated 2025-06-02.

Conditions:
TP63-related disorder. Also called: TP63-related condition; TP63-Related Disorders. Identifiers: MedGen CN380159.

Allele frequency attached by ClinVar (database versions not stated): gnomAD exomes below 0.00001 and 0.00001; ExAC 0.00003.
gnomAD v4.1: 7 of 1,597,396 alleles (0.00044%); highest among the groups gnomAD compares: South Asian, 0.0034%; no homozygotes.

Submissions (2):

PreventionGenetics, part of Exact Sciences
Classification: Likely benign for TP63-related condition. Last evaluated: 2025-06-02. Review status: criteria provided, single submitter. Criteria: ACMG Guidelines, 2015. Collection method: clinical testing. Allele origin: germline.
Comment: This variant is classified as likely benign based on ACMG/AMP sequence variant interpretation guidelines (Richards et al. 2015 PMID: 25741868, with internal and published modifications).

Eurofins Ntd Llc (ga)
Classification: Uncertain significance. Last evaluated: 2017-06-07. Review status: criteria provided, single submitter. Criteria: EGL Classification Definitions 2015. Collection method: clinical testing. Allele origin: germline. Observed: 1 variant allele, 1 heterozygote.